The following is an entry in ClinVar:

NM_000135.4(FANCA):c.4130C>G (p.Ser1377Ter)

Genes: ZNF276 (zinc finger protein 276; plus strand), FANCA (FA complementation group A; minus strand). Cytogenetic location: 16q24.3.
Variant type: single nucleotide variant.
Coding change: c.4130C>G on transcript NM_000135.4 (MANE Select); coding-DNA position 4130, C replaced by G.
Protein change: p.Ser1377Ter; replaces serine 1377 with a stop codon.
Molecular consequence: nonsense. On other transcripts: 3 prime UTR variant (2), non-coding transcript variant (4).
Genome position (GRCh38, 1-based): chr16:89,739,170, G>C on the plus strand (C>G on the coding strand, the complement: FANCA is on the minus strand). VCF-style: chr16-89739170-G-C. GRCh37 (hg19) VCF-style: chr16-89805578-G-C.
Other names: c.4130C>G, p.Ser1377Ter (NM_001286167.3); c.*924G>C (NM_001113525.2, NM_152287.4); c.4130C>G (NM_000135.3); short protein forms S1377*.
Identifiers: ClinVar variation 974169 (VCV000974169.7), dbSNP rs199599393, ClinGen allele CA8250777.

ClinVar aggregate classification (germline): Pathogenic. Review status: criteria provided, multiple submitters, no conflicts (2 of 4 stars). 5 submissions from 5 submitters: Pathogenic (4). 1 of the submissions does not count toward it. Last evaluated 2025-11-10.

Conditions:
Fanconi anemia (FA). Also called: Fanconi's anemia. Identifiers: Orphanet 84, MedGen C0015625, MeSH D005199, MONDO:0019391.
Fanconi anemia complementation group A (FANCA). Also called: Fanconi anemia, group A; FANCA-Related Fanconi Anemia. Identifiers: Orphanet 84, MedGen C3469521, MONDO:0009215, OMIM 227650.

Allele frequency attached by ClinVar (database versions not stated): gnomAD exomes below 0.00001; ExAC 0.00001; TOPMed 0.00001; 1000 Genomes Project 30x 0.00016; 1000 Genomes Project 0.00020.
gnomAD v4.1: 5 of 1,614,174 alleles (0.00031%); highest among the groups gnomAD compares: Admixed American, 0.0017%; no homozygotes.

Submissions (5):

Natera, Inc.
Classification: Pathogenic for Fanconi anemia. Last evaluated: 2025-11-10. Review status: criteria provided, single submitter. Criteria: Natera Variant Classification Schema (03/2026). Collection method: clinical testing. Allele origin: germline.
Comment: The c.4130C>G variant in FANCA is a nonsense variant predicted to introduce a stop codon at amino acid 1377. This variant is expected to result in nonsense mediated decay, truncation, or a dysfunctional protein product. This variant is rare in the general population with a frequency below the threshold expected for the associated phenotype(s). This variant has been observed in one or more individuals affected with the associated recessive disease, as either homozygous or compound heterozygous with a second variant (PMID: 33718801). Given the available evidence, this variant is classified as Pathogenic.

Fulgent Genetics
Classification: Pathogenic for Fanconi anemia complementation group A. Last evaluated: 2024-01-27. Review status: criteria provided, single submitter. Criteria: ACMG Guidelines, 2015. Collection method: clinical testing. Allele origin: germline.

Labcorp Genetics (formerly Invitae), Labcorp
Classification: Pathogenic for Fanconi anemia. Last evaluated: 2023-10-05. Review status: criteria provided, single submitter. Criteria: Invitae Variant Classification Sherloc (09022015). Collection method: clinical testing. Allele origin: germline.
Comment: This sequence change creates a premature translational stop signal (p.Ser1377*) in the FANCA gene. It is expected to result in an absent or disrupted protein product. Loss-of-function variants in FANCA are known to be pathogenic (PMID: 19367192). This variant is present in population databases (rs199599393, gnomAD 0.003%). This premature translational stop signal has been observed in individual(s) with Fanconi anemia (PMID: 17924555). ClinVar contains an entry for this variant (Variation ID: 974169). For these reasons, this variant has been classified as Pathogenic.

Women's Health and Genetics/Laboratory Corporation of America, LabCorp
Classification: Pathogenic for Fanconi anemia. Last evaluated: 2022-02-25. Review status: criteria provided, single submitter. Criteria: LabCorp Variant Classification Summary - May 2015. Collection method: clinical testing. Allele origin: germline.
Comment: Variant summary: FANCA c.4130C>G (p.Ser1377X) results in a premature termination codon, predicted to cause a truncation of the encoded protein or absence of the protein due to nonsense mediated decay, which are commonly known mechanisms for disease. Truncation downstream of this position have been classified as pathogenic by our laboratory. The variant allele was found at a frequency of 4e-06 in 250944 control chromosomes (gnomAD). c.4130C>G has been reported in the literature in compound heterozygous individuals affected with Fanconi Anemia (e.g. Ameziane_2008, Castella_2011, Galvez_2021). These data indicate that the variant is likely to be associated with disease. One submitter provided clinical-significance assessments for this variant to ClinVar after 2014 and classified the variant as pathogenic. Based on the evidence outlined above, the variant was classified as pathogenic.

Leiden Open Variation Database
Classification: Pathogenic for Fanconi anemia complementation group A. Last evaluated: 2020-02-28. Review status: no assertion criteria provided. Collection method: curation. Allele origin: germline. Affected: yes. Not counted in ClinVar's aggregate classification.
Comment: Curator: Arleen D. Auerbach. Submitters to LOVD: Arleen D. Auerbach, Johan de Winter.

Literature cited by the submitters: PubMed 33718801 (cited by Natera, Inc. and Women's Health and Genetics/Laboratory Corporation of America, LabCorp); PubMed 19367192 (cited by Labcorp Genetics (formerly Invitae), Labcorp); PubMed 17924555 (cited by 3 submitters); PubMed 22778927 (cited by Women's Health and Genetics/Laboratory Corporation of America, LabCorp and Leiden Open Variation Database); PubMed 21273304 (cited by Women's Health and Genetics/Laboratory Corporation of America, LabCorp).